The following is an entry in ClinVar:

NM_003640.5(ELP1):c.509T>C (p.Phe170Ser)

Gene: ELP1 (elongator acetyltransferase complex subunit 1; minus strand). Cytogenetic location: 9q31.3.
Variant type: single nucleotide variant.
Coding change: c.509T>C on transcript NM_003640.5 (MANE Select); coding-DNA position 509, T replaced by C.
Protein change: p.Phe170Ser; replaces phenylalanine 170 with serine.
Molecular consequence: missense variant. On other transcripts: 5 prime UTR variant (1).
Genome position (GRCh38, 1-based): chr9:108,922,885, A>G on the plus strand (T>C on the coding strand, the complement: ELP1 is on the minus strand). VCF-style: chr9-108922885-A-G. GRCh37 (hg19) VCF-style: chr9-111685165-A-G.
Other names: c.167T>C, p.Phe56Ser (NM_001318360.2); c.-351T>C (NM_001330749.2); short protein forms F56S, F170S.
Identifiers: ClinVar variation 2016718 (VCV002016718.4), dbSNP rs2537949827, ClinGen allele CA374389348.
Genomic context (GRCh38, chr9:108,922,885, plus strand): 5'-CATCAAACCAAACTTACCATTTGCATCTGAAAAGCTGCTTGTCTGCCTTCTGATCCATGG[A>G]ACTGTGTCTCCTTCCTACCCCATCCAACAGTGATAAACTTGCCTACAGAACAATTGGCAA-3'
Protein context (NP_003631.2, residues 160-180): TVGWGRKETQ[Phe170Ser]HGSEGRQAAF

ClinVar aggregate classification (germline): Uncertain significance (1 of 4 stars; one submission).

Submission:

Labcorp Genetics (formerly Invitae), Labcorp
Classification: Uncertain significance. Last evaluated: 2022-07-13. Review status: criteria provided, single submitter. Criteria: Invitae Variant Classification Sherloc (09022015). Collection method: clinical testing. Allele origin: germline.
Comment: This sequence change replaces phenylalanine, which is neutral and non-polar, with serine, which is neutral and polar, at codon 170 of the ELP1 protein (p.Phe170Ser). In summary, the available evidence is currently insufficient to determine the role of this variant in disease. Therefore, it has been classified as a Variant of Uncertain Significance. Algorithms developed to predict the effect of missense changes on protein structure and function are either unavailable or do not agree on the potential impact of this missense change (SIFT: "Deleterious"; PolyPhen-2: "Probably Damaging"; Align-GVGD: "Class C0"). This variant has not been reported in the literature in individuals affected with ELP1-related conditions. This variant is not present in population databases (gnomAD no frequency).